The following is an entry in ClinVar:

ClinVar aggregate classification (germline): Likely benign (0 of 4 stars; one submission).

Conditions:
TRIOBP-related disorder. Also called: TRIOBP-related condition.

gnomAD v4.1: 10 of 1,608,936 alleles (0.00062%); highest among the groups gnomAD compares: African/African-American, 0.0013%; no homozygotes.

Submission:

PreventionGenetics, part of Exact Sciences
Classification: Likely benign for TRIOBP-related condition. Last evaluated: 2019-07-23. Review status: no assertion criteria provided. Collection method: clinical testing. Allele origin: germline.
Comment: This variant is classified as likely benign based on ACMG/AMP sequence variant interpretation guidelines (Richards et al. 2015 PMID: 25741868, with internal and published modifications).

NM_001039141.3(TRIOBP):c.5577+6G>T

Genes: TRIOBP (TRIO and F-actin binding protein; plus strand), LOC126863145 (CDK7 strongly-dependent group 2 enhancer GRCh37_chr22:38150829-38152028; plus strand). Cytogenetic location: 22q13.1.
Variant type: single nucleotide variant.
Coding change: c.5577+6G>T on transcript NM_001039141.3 (MANE Select); 6 bases into the intron after coding-DNA position 5577, G replaced by T.
Molecular consequence: intron variant.
Genome position (GRCh38, 1-based): chr22:37,755,196, G>T. VCF-style: chr22-37755196-G-T. GRCh37 (hg19) VCF-style: chr22-38151203-G-T.
Other names: c.438+6G>T (NM_007032.5, NM_138632.2).
Identifiers: ClinVar variation 3350877 (VCV003350877.1).
Genomic context (GRCh38, chr22:37,755,196, plus strand): 5'-CTGCACGGATGTCACTGAGTACGCGGTGCAGCGCAACTATGGCTTCCAGATCCACGTGAG[G>T]CTGTGTGCAGCTTGGGGGCTGGTGGTGGGCAGCATGGCTGGAGGTCCCTGGGGGAGGTTT-3'